The following is an entry in ClinVar:

ClinVar aggregate classification (germline): Uncertain significance (1 of 4 stars; one submission).

Conditions:
Dilated cardiomyopathy 1DD (CMD1DD). Identifiers: Orphanet 154, MedGen C2750995, MONDO:0013168, OMIM 613172.

Submission:

Labcorp Genetics (formerly Invitae), Labcorp
Classification: Uncertain significance for Dilated cardiomyopathy 1DD. Last evaluated: 2024-02-19. Review status: criteria provided, single submitter. Criteria: Invitae Variant Classification Sherloc (09022015). Collection method: clinical testing. Allele origin: germline.
Comment: This sequence change replaces methionine, which is neutral and non-polar, with arginine, which is basic and polar, at codon 338 of the RBM20 protein (p.Met338Arg). This variant is not present in population databases (gnomAD no frequency). This variant has not been reported in the literature in individuals affected with RBM20-related conditions. Advanced modeling of protein sequence and biophysical properties (such as structural, functional, and spatial information, amino acid conservation, physicochemical variation, residue mobility, and thermodynamic stability) performed at Invitae indicates that this missense variant is not expected to disrupt RBM20 protein function with a negative predictive value of 95%. In summary, the available evidence is currently insufficient to determine the role of this variant in disease. Therefore, it has been classified as a Variant of Uncertain Significance.

NM_001134363.3(RBM20):c.1013T>G (p.Met338Arg)

Gene: RBM20 (RNA binding motif protein 20; plus strand). Cytogenetic location: 10q25.2.
Variant type: single nucleotide variant.
Coding change: c.1013T>G on transcript NM_001134363.3 (MANE Select); coding-DNA position 1013, T replaced by G.
Protein change: p.Met338Arg; replaces methionine 338 with arginine.
Molecular consequence: missense variant.
Genome position (GRCh38, 1-based): chr10:110,781,622, T>G. VCF-style: chr10-110781622-T-G. GRCh37 (hg19) VCF-style: chr10-112541380-T-G.
Other names: short protein forms M338R.
Identifiers: ClinVar variation 3636962 (VCV003636962.2).
Genomic context (GRCh38, chr10:110,781,622, plus strand): 5'-AATGGGAGAGCCCCCATGGATTCTCGGGCCAAAGCAAGCCTGATCTCACAGCAGGTCCCA[T>G]GTGGCCTCCACCCCACAACCAGCCCTATGAGCTGTACGACCCCGAGGAACCAACCTCAGA-3'
Protein context (NP_001127835.2, residues 328-348): QSKPDLTAGP[Met338Arg]WPPPHNQPYE